The following is an entry in ClinVar:

NM_201631.4(TGM5):c.1632T>G (p.Ser544Arg)

Gene: TGM5 (transglutaminase 5; minus strand). Cytogenetic location: 15q15.2.
Variant type: single nucleotide variant.
Coding change: c.1632T>G on transcript NM_201631.4 (MANE Select); coding-DNA position 1632, T replaced by G.
Protein change: p.Ser544Arg; replaces serine 544 with arginine.
Molecular consequence: missense variant.
Genome position (GRCh38, 1-based): chr15:43,235,551, A>C on the plus strand (T>G on the coding strand, the complement: TGM5 is on the minus strand). VCF-style: chr15-43235551-A-C. GRCh37 (hg19) VCF-style: chr15-43527749-A-C.
Other names: c.1386T>G, p.Ser462Arg (NM_004245.4); short protein forms S462R, S544R.
Identifiers: ClinVar variation 787426 (VCV000787426.7), dbSNP rs148226418, ClinGen allele CA7520937.
Genomic context (GRCh38, chr15:43,235,551, plus strand): 5'-GAACGCTGTGTCCTGCCAGAATGGGGACAGGGGGCTGCCATCGTGCAGCAGAGACTGGGC[A>C]CTCAGGTTCACTTTGAGGTCCTTGAACTGGGAGGACATGTTGAGGGCCAGCAGGACAAAG-3'
Protein context (NP_963925.2, residues 534-554): SQFKDLKVNL[Ser544Arg]AQSLLHDGSP

ClinVar aggregate classification (germline): Conflicting classifications of pathogenicity. Review status: criteria provided, conflicting classifications (1 of 4 stars). 4 submissions from 4 submitters: Uncertain significance (2); Likely benign (2). Last evaluated 2026-02-26.

Conditions:
TGM5-related disorder. Also called: TGM5-related condition.
Inborn genetic diseases. Identifiers: MedGen C0950123, MeSH D030342.

Allele frequency attached by ClinVar (database versions not stated): gnomAD exomes 0.00006 and 0.00021; ExAC 0.00030; 1000 Genomes Project 30x 0.00094; gnomAD 0.00099 and 0.00106; ESP Exome Variant Server 0.00100; TOPMed 0.00109; 1000 Genomes Project 0.00120.

Submissions (4):

GeneDx
Classification: Uncertain significance. Last evaluated: 2026-02-26. Review status: criteria provided, single submitter. Criteria: GeneDx Variant Classification Process June 2021. Collection method: clinical testing. Allele origin: germline.
Comment: In silico analysis supports that this missense variant has a deleterious effect on protein structure/function; Has not been previously published as pathogenic or benign to our knowledge

PreventionGenetics, part of Exact Sciences
Classification: Likely benign for TGM5-related condition. Last evaluated: 2025-07-18. Review status: criteria provided, single submitter. Criteria: ACMG Guidelines, 2015. Collection method: clinical testing. Allele origin: germline.
Comment: This variant is classified as likely benign based on ACMG/AMP sequence variant interpretation guidelines (Richards et al. 2015 PMID: 25741868, with internal and published modifications).

Ambry Genetics
Classification: Uncertain significance for Inborn genetic diseases. Last evaluated: 2025-06-26. Review status: criteria provided, single submitter. Criteria: Ambry Variant Classification Scheme 2023. Collection method: clinical testing. Allele origin: germline.

Labcorp Genetics (formerly Invitae), Labcorp
Classification: Likely benign. Last evaluated: 2018-08-14. Review status: criteria provided, single submitter. Criteria: Invitae Variant Classification Sherloc (09022015). Collection method: clinical testing. Allele origin: germline.